The following is an entry in ClinVar:

ClinVar aggregate classification (germline): Uncertain significance (1 of 4 stars; one submission).

Conditions:
COG4-congenital disorder of glycosylation. Also called: CONGENITAL DISORDER OF GLYCOSYLATION, TYPE IIj; CDG IIj; COG4-CDG. Identifiers: Orphanet 263501, MedGen C4303552, MONDO:0013281, OMIM 613489.

Submission:

Victorian Clinical Genetics Services, Murdoch Childrens Research Institute
Classification: Uncertain significance for COG4-congenital disorder of glycosylation. Last evaluated: 2024-12-17. Review status: criteria provided, single submitter. Criteria: ACMG Guidelines, 2015. Collection method: clinical testing. Allele origin: germline. Affected: yes.
Comment: This variant is classified as VUS-3A. Evidence in support of pathogenic classification: In-frame insertion in a non-repetitive region that has high conservation; Variant is absent from gnomAD (v2, v3 and v4). Additional information: This variant is homozygous; This gene is associated with both recessive and dominant disease. Monoallelic variants are associated with Saul-Wilson syndrome (MIM#618150) while bi-allelic variants are associated with congenital disorder of glycosylation, type IIj (MIM#613489); This variant has no previous evidence of pathogenicity; No published segregation evidence has been identified for this variant; No published functional evidence has been identified for this variant; No comparable in-frame insertion variants have previous evidence for pathogenicity; Variant is not located in an established domain, motif, hotspot or informative constraint region; Loss of function is a known mechanism of disease in this gene and is associated with congenital disorder of glycosylation, type IIj (MIM#613489). Gain of function is a suggested mechanism for the recurring missense variant p.(Gly516Arg) which has been reported in association with monoallelic Saul-Wilson syndrome (PMID: 30290151).

Literature cited by the submitters: PubMed 30290151.

NM_015386.3(COG4):c.2088_2089insGAGAAAGTT (p.Leu696_Lys697insGluLysVal)

Gene: COG4 (component of oligomeric golgi complex 4; minus strand). Cytogenetic location: 16q22.1.
Variant type: Insertion.
Coding change: c.2088_2089insGAGAAAGTT on transcript NM_015386.3 (MANE Select); coding-DNA positions 2088 to 2089, GAGAAAGTT inserted.
Protein change: p.Leu696_Lys697insGluLysVal.
Molecular consequence: inframe insertion. On other transcripts: non-coding transcript variant (1).
Genome position: GRCh38 VCF-style: chr16-70481781-T-TAACTTTCTC. GRCh37 (hg19) VCF-style: chr16-70515684-T-TAACTTTCTC.
Other names: c.2013_2014insGAGAAAGTT, p.Leu671_Lys672insGluLysVal (NM_001195139.2); c.1662_1663insGAGAAAGTT, p.Leu554_Lys555insGluLysVal (NM_001365426.1).
Identifiers: ClinVar variation 4531618 (VCV004531618.1).